The following is an entry in ClinVar:

ClinVar aggregate classification (germline): Uncertain significance (1 of 4 stars; one submission).

Conditions:
Hereditary cancer-predisposing syndrome. Also called: Neoplastic Syndromes, Hereditary; Hereditary Cancer Syndrome; Tumor predisposition; Hereditary neoplastic syndrome. Identifiers: Orphanet 140162, MedGen C0027672, MeSH D009386, MONDO:0015356.

Submission:

Ambry Genetics
Classification: Uncertain significance for Hereditary cancer-predisposing syndrome. Last evaluated: 2025-02-14. Review status: criteria provided, single submitter. Criteria: Ambry Variant Classification Scheme 2023. Collection method: clinical testing. Allele origin: germline.
Comment: The p.T243P variant (also known as c.727A>C), located in coding exon 6 of the SUFU gene, results from an A to C substitution at nucleotide position 727. The threonine at codon 243 is replaced by proline, an amino acid with highly similar properties. This amino acid position is conserved. In addition, this alteration is predicted to be deleterious by in silico analysis. Based on the available evidence, the clinical significance of this variant remains unclear.

NM_016169.4(SUFU):c.727A>C (p.Thr243Pro)

Gene: SUFU (SUFU negative regulator of hedgehog signaling; plus strand). Cytogenetic location: 10q24.32.
Variant type: single nucleotide variant.
Coding change: c.727A>C on transcript NM_016169.4 (MANE Select); coding-DNA position 727, A replaced by C.
Protein change: p.Thr243Pro; replaces threonine 243 with proline.
Molecular consequence: missense variant.
Genome position (GRCh38, 1-based): chr10:102,594,036, A>C. VCF-style: chr10-102594036-A-C. GRCh37 (hg19) VCF-style: chr10-104353793-A-C.
Other names: c.727A>C, p.Thr243Pro (NM_001178133.2); short protein forms T243P.
Identifiers: ClinVar variation 3802904 (VCV003802904.1).